The following is an entry in ClinVar:

ClinVar aggregate classification (germline): Likely benign. Review status: criteria provided, multiple submitters, no conflicts (2 of 4 stars). 2 submissions from 2 submitters: Likely benign (2). Last evaluated 2025-06-25.

Conditions:
PLD1-related disorder. Also called: PLD1-related condition.

Allele frequency attached by ClinVar (database versions not stated): ExAC 0.00001; gnomAD exomes 0.00001; gnomAD 0.00003.
gnomAD v4.1: 16 of 1,612,878 alleles (0.00099%); highest among the groups gnomAD compares: African/African-American, 0.0027%; no homozygotes.

Submissions (2):

PreventionGenetics, part of Exact Sciences
Classification: Likely benign for PLD1-related condition. Last evaluated: 2025-06-25. Review status: criteria provided, single submitter. Criteria: ACMG Guidelines, 2015. Collection method: clinical testing. Allele origin: germline.
Comment: This variant is classified as likely benign based on ACMG/AMP sequence variant interpretation guidelines (Richards et al. 2015 PMID: 25741868, with internal and published modifications).

Labcorp Genetics (formerly Invitae), Labcorp
Classification: Likely benign. Last evaluated: 2023-10-11. Review status: criteria provided, single submitter. Criteria: Invitae Variant Classification Sherloc (09022015). Collection method: clinical testing. Allele origin: germline.

NM_002662.5(PLD1):c.2451A>G (p.Val817=)

Gene: PLD1 (phospholipase D1; minus strand). Cytogenetic location: 3q26.31.
Variant type: single nucleotide variant.
Coding change: c.2451A>G on transcript NM_002662.5 (MANE Select); coding-DNA position 2451, A replaced by G.
Protein change: p.Val817=; no amino-acid change (valine 817 retained).
Molecular consequence: synonymous variant.
Genome position (GRCh38, 1-based): chr3:171,645,002, T>C on the plus strand (A>G on the coding strand, the complement: PLD1 is on the minus strand). VCF-style: chr3-171645002-T-C. GRCh37 (hg19) VCF-style: chr3-171362792-T-C.
Other names: c.2337A>G, p.Val779= (NM_001130081.3); c.2451A>G (NM_002662.4).
Identifiers: ClinVar variation 2695360 (VCV002695360.3), dbSNP rs759790468, ClinGen allele CA2704234.